The following is an entry in ClinVar:

NM_006950.3(SYN1):c.319G>A (p.Gly107Ser)

Gene: SYN1 (synapsin I; minus strand). Cytogenetic location: Xp11.23.
Variant type: single nucleotide variant.
Coding change: c.319G>A on transcript NM_006950.3 (MANE Select); coding-DNA position 319, G replaced by A.
Protein change: p.Gly107Ser; replaces glycine 107 with serine.
Molecular consequence: missense variant.
Genome position (GRCh38, 1-based): chrX:47,619,410, C>T on the plus strand (G>A on the coding strand, the complement: SYN1 is on the minus strand). VCF-style: chrX-47619410-C-T. GRCh37 (hg19) VCF-style: chrX-47478809-C-T.
Other names: c.319G>A, p.Gly107Ser (NM_133499.2); short protein forms G107S.
Identifiers: ClinVar variation 857385 (VCV000857385.15), dbSNP rs765045862, ClinGen allele CA10398777.

ClinVar aggregate classification (germline): Conflicting classifications of pathogenicity. Review status: criteria provided, conflicting classifications (1 of 4 stars). 4 submissions from 4 submitters: Uncertain significance (2); Likely benign (2). Last evaluated 2026-01-20.

Conditions:
Inborn genetic diseases. Identifiers: MedGen C0950123, MeSH D030342.
Epilepsy, X-linked 1, with variable learning disabilities and behavior disorders. Also called: X-linked epilepsy-learning disabilities-behavior disorders syndrome. Identifiers: Orphanet 85294, MedGen C5774177, MONDO:0010339, OMIM 300491.

Allele frequency attached by ClinVar (database versions not stated): gnomAD exomes 0.00001 and 0.00004; ExAC 0.00002; gnomAD 0.00010 and 0.00012; TOPMed 0.00010.
gnomAD v4.1: 27 of 1,188,126 alleles (0.0023%); highest among the groups gnomAD compares: African/African-American, 0.046%; no homozygotes.

Submissions (4):

Labcorp Genetics (formerly Invitae), Labcorp
Classification: Likely benign for Epilepsy, X-linked 1, with variable learning disabilities and behavior disorders. Last evaluated: 2026-01-20. Review status: criteria provided, single submitter. Criteria: Invitae Variant Classification Sherloc (09022015). Collection method: clinical testing. Allele origin: germline.

Women's Health and Genetics/Laboratory Corporation of America, LabCorp
Classification: Uncertain significance. Last evaluated: 2025-02-04. Review status: criteria provided, single submitter. Criteria: LabCorp Variant Classification Summary - May 2015. Collection method: clinical testing. Allele origin: germline.
Comment: Variant summary: SYN1 c.319G>A (p.Gly107Ser) results in a non-conservative amino acid change in the encoded protein sequence. Three of five in-silico tools predict a benign effect of the variant on protein function. The variant allele was found at a frequency of 2.3e-05 in 1188126 control chromosomes, including 7 hemizygotes. This frequency is not significantly higher than estimated for a pathogenic variant in SYN1 causing SYN1-Related Disorders, allowing no conclusion about variant significance. To our knowledge, no occurrence of c.319G>A in individuals affected with SYN1-Related Disorders and no experimental evidence demonstrating its impact on protein function have been reported. ClinVar contains an entry for this variant (Variation ID: 857385). Based on the evidence outlined above, the variant was classified as uncertain significance.

Ambry Genetics
Classification: Likely benign for Inborn genetic diseases. Last evaluated: 2024-09-30. Review status: criteria provided, single submitter. Criteria: Ambry Variant Classification Scheme 2023. Collection method: clinical testing. Allele origin: germline.

Genetic Services Laboratory, University of Chicago
Classification: Uncertain significance. Last evaluated: 2020-01-17. Review status: criteria provided, single submitter. Criteria: ACMG Guidelines, 2015. Collection method: clinical testing. Allele origin: germline. Affected: no.